The following is an entry in ClinVar:

ClinVar aggregate classification (germline): Likely benign. Review status: criteria provided, single submitter (1 of 4 stars). 2 submissions from 2 submitters: Likely benign (1). 1 of the submissions does not count toward it. Last evaluated 2025-06-12.

Conditions:
PUS1-related disorder. Also called: PUS1-related condition.

gnomAD v4.1: 102 of 1,613,674 alleles (0.0063%); highest among the groups gnomAD compares: Admixed American, 0.013%; no homozygotes.

Submissions (2):

Labcorp Genetics (formerly Invitae), Labcorp
Classification: Likely benign. Last evaluated: 2025-06-12. Review status: criteria provided, single submitter. Criteria: Invitae Variant Classification Sherloc (09022015). Collection method: clinical testing. Allele origin: germline.

PreventionGenetics, part of Exact Sciences
Classification: Likely benign for PUS1-related condition. Last evaluated: 2020-03-24. Review status: no assertion criteria provided. Collection method: clinical testing. Allele origin: germline. Not counted in ClinVar's aggregate classification.
Comment: This variant is classified as likely benign based on ACMG/AMP sequence variant interpretation guidelines (Richards et al. 2015 PMID: 25741868, with internal and published modifications).

NM_025215.6(PUS1):c.545-5C>T

Gene: PUS1 (pseudouridine synthase 1; plus strand). Cytogenetic location: 12q24.33.
Variant type: single nucleotide variant.
Coding change: c.545-5C>T on transcript NM_025215.6 (MANE Select); 5 bases into the intron before coding-DNA position 545, C replaced by T.
Molecular consequence: intron variant.
Genome position (GRCh38, 1-based): chr12:131,941,287, C>T. VCF-style: chr12-131941287-C-T. GRCh37 (hg19) VCF-style: chr12-132425832-C-T.
Other names: c.545-5C>T (NM_025215.5); c.461-5C>T (NM_001002019.3, NM_001002020.3).
Identifiers: ClinVar variation 1100043 (VCV001100043.11), dbSNP rs376656565, ClinGen allele CA6884184.